The following is an entry in ClinVar:

ClinVar aggregate classification (germline): Uncertain significance (1 of 4 stars; one submission).

Allele frequency attached by ClinVar (database versions not stated): gnomAD exomes below 0.00001.

Submission:

Labcorp Genetics (formerly Invitae), Labcorp
Classification: Uncertain significance. Last evaluated: 2023-04-08. Review status: criteria provided, single submitter. Criteria: Invitae Variant Classification Sherloc (09022015). Collection method: clinical testing. Allele origin: germline.
Comment: This variant has not been reported in the literature in individuals affected with FAM111A-related conditions. This sequence change replaces lysine, which is basic and polar, with arginine, which is basic and polar, at codon 193 of the FAM111A protein (p.Lys193Arg). This variant is not present in population databases (gnomAD no frequency). Advanced modeling of protein sequence and biophysical properties (such as structural, functional, and spatial information, amino acid conservation, physicochemical variation, residue mobility, and thermodynamic stability) performed at Invitae indicates that this missense variant is not expected to disrupt FAM111A protein function. In summary, the available evidence is currently insufficient to determine the role of this variant in disease. Therefore, it has been classified as a Variant of Uncertain Significance.

NM_001312909.2(FAM111A):c.578A>G (p.Lys193Arg)

Gene: FAM111A (FAM111 trypsin like peptidase A; plus strand). Cytogenetic location: 11q12.1.
Variant type: single nucleotide variant.
Coding change: c.578A>G on transcript NM_001312909.2 (MANE Select); coding-DNA position 578, A replaced by G.
Protein change: p.Lys193Arg; replaces lysine 193 with arginine.
Molecular consequence: missense variant.
Genome position (GRCh38, 1-based): chr11:59,152,246, A>G. VCF-style: chr11-59152246-A-G. GRCh37 (hg19) VCF-style: chr11-58919719-A-G.
Other names: c.578A>G, p.Lys193Arg (NM_001142519.3, NM_001142520.3, NM_001142521.3 and 29 more transcripts); short protein forms K193R.
Identifiers: ClinVar variation 2990406 (VCV002990406.3), dbSNP rs2496286036, ClinGen allele CA380774990.
Genomic context (GRCh38, chr11:59,152,246, plus strand): 5'-GGCAGGACAAAGCATCGACTGAATGTGTCAAATTTTACATTCATGCAATTGGAATTGGGA[A>G]GTGTAAAAGAAGGATTGTTAAATGTGGGAAGCTTCACAAAAAGGGGCGCAAACTCTGTGT-3'
Protein context (NP_001299838.1, residues 183-203): KFYIHAIGIG[Lys193Arg]CKRRIVKCGK